The following is an entry in ClinVar:

ClinVar aggregate classification (germline): Uncertain significance (1 of 4 stars; one submission).

Conditions:
Bardet-Biedl syndrome (BBS). Identifiers: Orphanet 110, MedGen C0752166, MONDO:0015229.

Allele frequency attached by ClinVar (database versions not stated): gnomAD exomes below 0.00001.
gnomAD v4.1: 1 of 1,610,496 alleles (0.000062%); highest among the groups gnomAD compares: Non-Finnish European, 0.000085%; no homozygotes.

Submission:

Labcorp Genetics (formerly Invitae), Labcorp
Classification: Uncertain significance for Bardet-Biedl syndrome. Last evaluated: 2023-08-17. Review status: criteria provided, single submitter. Criteria: Invitae Variant Classification Sherloc (09022015). Collection method: clinical testing. Allele origin: germline.
Comment: This variant has not been reported in the literature in individuals affected with BBS10-related conditions. This variant is not present in population databases (gnomAD no frequency). This sequence change replaces leucine, which is neutral and non-polar, with serine, which is neutral and polar, at codon 609 of the BBS10 protein (p.Leu609Ser). In summary, the available evidence is currently insufficient to determine the role of this variant in disease. Therefore, it has been classified as a Variant of Uncertain Significance. Advanced modeling of protein sequence and biophysical properties (such as structural, functional, and spatial information, amino acid conservation, physicochemical variation, residue mobility, and thermodynamic stability) performed at Invitae indicates that this missense variant is expected to disrupt BBS10 protein function. ClinVar contains an entry for this variant (Variation ID: 2106107).

NM_024685.4(BBS10):c.1826T>C (p.Leu609Ser)

Gene: BBS10 (Bardet-Biedl syndrome 10; minus strand). Cytogenetic location: 12q21.2.
Variant type: single nucleotide variant.
Coding change: c.1826T>C on transcript NM_024685.4 (MANE Select); coding-DNA position 1826, T replaced by C.
Protein change: p.Leu609Ser; replaces leucine 609 with serine.
Molecular consequence: missense variant.
Genome position (GRCh38, 1-based): chr12:76,346,159, A>G on the plus strand (T>C on the coding strand, the complement: BBS10 is on the minus strand). VCF-style: chr12-76346159-A-G. GRCh37 (hg19) VCF-style: chr12-76739939-A-G.
Other names: short protein forms L609S.
Identifiers: ClinVar variation 2106107 (VCV002106107.4), dbSNP rs1160359390, ClinGen allele CA385809740.